The following is an entry in ClinVar:

ClinVar aggregate classification (germline): Uncertain significance (1 of 4 stars; one submission).

Conditions:
Noonan syndrome 9 (NS9). Identifiers: Orphanet 648, MedGen C4225282, MONDO:0014691, OMIM 616559.

Submission:

Labcorp Genetics (formerly Invitae), Labcorp
Classification: Uncertain significance for Noonan syndrome 9. Last evaluated: 2021-05-01. Review status: criteria provided, single submitter. Criteria: Invitae Variant Classification Sherloc (09022015). Collection method: clinical testing. Allele origin: germline.
Comment: This sequence change creates a premature translational stop signal (p.Ala416Serfs*4) in the SOS2 gene. It is expected to result in an absent or disrupted protein product. However, the current clinical and genetic evidence is not sufficient to establish whether loss-of-function variants in SOS2 cause disease. This variant is not present in population databases (ExAC no frequency). This variant has not been reported in the literature in individuals with SOS2-related conditions. In summary, the available evidence is currently insufficient to determine the role of this variant in disease. Therefore, it has been classified as a Variant of Uncertain Significance.

NM_006939.4(SOS2):c.1245_1248del (p.Ala416fs)

Gene: SOS2 (SOS Ras/Rho guanine nucleotide exchange factor 2; minus strand). Cytogenetic location: 14q21.3.
Variant type: Deletion.
Coding change: c.1245_1248del on transcript NM_006939.4 (MANE Select); coding-DNA positions 1245 to 1248, 4 bases deleted (GGCT; older notation c.1245_1248delGGCT).
Protein change: p.Ala416fs; shifts the reading frame from alanine 416.
Molecular consequence: frameshift variant.
Genome position (GRCh38, 1-based): chr14:50,160,035-50,160,038, AGCC deleted on the plus strand (GGCT on the coding strand, the reverse complement: SOS2 is on the minus strand); deleting any 4 consecutive bases within chr14:50,160,035-50,160,040 gives the same sequence; the c. name uses the placement nearest the transcript's 3' end. VCF-style (leftmost placement, unchanged base first): chr14-50160034-TAGCC-T. GRCh37 (hg19) VCF-style: chr14-50626752-TAGCC-T.
Other names: short protein forms A416fs.
Identifiers: ClinVar variation 1462295 (VCV001462295.6), dbSNP rs2139630042, ClinGen allele CA2573149971.